The following is an entry in ClinVar:

NM_001256627.2(BRSK2):c.937C>T (p.Arg313Ter)

Gene: BRSK2 (BR serine/threonine kinase 2; plus strand). Cytogenetic location: 11p15.5.
Variant type: single nucleotide variant.
Coding change: c.937C>T on transcript NM_001256627.2 (MANE Select); coding-DNA position 937, C replaced by T.
Protein change: p.Arg313Ter; replaces arginine 313 with a stop codon.
Molecular consequence: nonsense. On other transcripts: non-coding transcript variant (1).
Genome position (GRCh38, 1-based): chr11:1,445,418, C>T. VCF-style: chr11-1445418-C-T. GRCh37 (hg19) VCF-style: chr11-1466648-C-T.
Other names: c.937C>T, p.Arg313Ter (NM_001256629.2, NM_003957.4); c.1075C>T, p.Arg359Ter (NM_001256630.1); c.757C>T, p.Arg253Ter (NM_001282218.2); c.937C>T (NM_001256627.1); short protein forms R253*, R313*, R359*.
Identifiers: ClinVar variation 1687426 (VCV001687426.4), dbSNP rs2133120033, ClinGen allele CA379060754.
Genomic context (GRCh38, chr11:1,445,418, plus strand): 5'-CCCAGCCTGGAGGACATCGACCCCGACGTGCTGGACAGCATGCACTCACTGGGCTGCTTC[C>T]GAGACCGCAACAAGCTGCTGCAGGACCTGCTGTCCGAGGAGTGCGTCTGGGGCTGCTCCC-3'

ClinVar aggregate classification (germline): Pathogenic/Likely pathogenic. Review status: criteria provided, multiple submitters, no conflicts (2 of 4 stars). 4 submissions from 4 submitters: Pathogenic (3); Likely pathogenic (1). Last evaluated 2026-08-03.

Conditions:
BRSK2-related neurodevelopmental disorder.
BRSK2-related disorder. Also called: BRSK2-related condition; BRSK2-Related Disorders.
Autosomal dominant non-syndromic intellectual disability. Identifiers: Orphanet 178469, MedGen C5680502, MONDO:0015802.

Submissions (4):

Institute of Human Genetics, University of Leipzig Medical Center
Classification: Pathogenic for BRSK2-related neurodevelopmental disorder. Last evaluated: 2026-08-03. Review status: criteria provided, single submitter. Criteria: ACMG Guidelines, 2015. Collection method: clinical testing. Allele origin: de novo. Inheritance: Autosomal dominant inheritance. Affected: yes.
Comment: Criteria applied: PVS1,PM2,PS4_MOD,PS2_MOD

Department of Human Genetics, University Hospital Bern, Inselspital
Classification: Pathogenic for Autosomal dominant non-syndromic intellectual disability. Last evaluated: 2026-05-03. Review status: criteria provided, single submitter. Criteria: ACMG Guidelines, 2015. Collection method: clinical testing. Allele origin: de novo. Affected: yes.
Comment: The variant leads to an early stop codon likely resulting in nonsense-mediated mRNA decay. The variant was shown to have occurred de novo and is absent from gnomAD v4.1.0. In summary, criteria PVS1, PS2_supporting and PM2_Supporting were used.

GeneDx
Classification: Pathogenic. Last evaluated: 2024-03-21. Review status: criteria provided, single submitter. Criteria: GeneDx Variant Classification Process June 2021. Collection method: clinical testing. Allele origin: germline. Affected: yes.
Comment: Nonsense variant predicted to result in protein truncation or nonsense mediated decay in a gene for which loss of function is a known mechanism of disease; Not observed at significant frequency in large population cohorts (gnomAD); Has not been previously published as pathogenic or benign to our knowledge

3billion
Classification: Likely pathogenic for BRSK2-related disorder. Last evaluated: 2022-05-22. Review status: criteria provided, single submitter. Criteria: ACMG Guidelines, 2015. Collection method: clinical testing. Allele origin: germline. Affected: yes. Observed: 1 heterozygote.
Comment: The variant is not observed in the gnomAD v2.1.1 dataset. Stop-gained (nonsense): predicted to result in a loss or disruption of normal protein function through nonsense-mediated decay (NMD) or protein truncation. Multiple pathogenic variants are reported downstream of the variant. Therefore, this variant is classified as likely pathogenic according to the recommendation of ACMG/AMP guideline.

Literature cited by the submitters: PubMed 41423339 (cited by Institute of Human Genetics, University of Leipzig Medical Center); PubMed 42509346 (cited by Department of Human Genetics, University Hospital Bern, Inselspital).